The following is an entry in ClinVar:

ClinVar aggregate classification (germline): Uncertain significance (1 of 4 stars; one submission).

Conditions:
Primary ciliary dyskinesia 7. Also called: CILIARY DYSKINESIA, PRIMARY, 7, WITH OR WITHOUT SITUS INVERSUS. Identifiers: Orphanet 244, MedGen C2678473, MONDO:0012748, OMIM 611884.

Allele frequency attached by ClinVar (database versions not stated): gnomAD 0.00190 and 0.00203; TOPMed 0.00208; 1000 Genomes Project 0.00280; 1000 Genomes Project 30x 0.00297.
gnomAD v4.1: 285 of 152,300 alleles (0.19%); highest among the groups gnomAD compares: African/African-American, 0.66%; no homozygotes.

Submission:

New York Genome Center
Classification: Uncertain significance for Primary ciliary dyskinesia 7. Last evaluated: 2021-05-27. Review status: criteria provided, single submitter. Criteria: NYGC Assertion Criteria 2020. Collection method: clinical testing. Allele origin: germline. Observed: 1 heterozygote. Study: CSER-NYCKidSeq.
Comment: The deep intronic heterozygous c.11839+219T>G variant identified in the DNAH11 gene has not been reported in affected individuals in the literature. The variant has 0.001873 allele frequency in the gnomAD(v3) database (285 out of 152182 heterozygous alleles, no homozygotes) suggesting it is not a common benign variant in the populations represented in that database. In silico tools provide conflicting predictions about potential pathogenicity of this variant (SpliceAI score = 0.00, TRAP score = 0.349). Based on the available evidence, the deep intronic heterozygous c.11839+219T>G variant identified in the DNAH11 gene is reported as a variant of uncertain significance.

NM_001277115.2(DNAH11):c.11839+219T>G

Gene: DNAH11 (dynein axonemal heavy chain 11; plus strand). Cytogenetic location: 7p15.3.
Variant type: single nucleotide variant.
Coding change: c.11839+219T>G on transcript NM_001277115.2 (MANE Select); 219 bases into the intron after coding-DNA position 11839, T replaced by G.
Molecular consequence: intron variant.
Genome position (GRCh38, 1-based): chr7:21,868,226, T>G. VCF-style: chr7-21868226-T-G. GRCh37 (hg19) VCF-style: chr7-21907844-T-G.
Identifiers: ClinVar variation 1679584 (VCV001679584.1), dbSNP rs191753047, ClinGen allele CA155142555.